The following is an entry in ClinVar:

ClinVar aggregate classification (germline): Likely benign. Review status: criteria provided, single submitter (1 of 4 stars). 2 submissions from 2 submitters: Likely benign (1). 1 of the submissions does not count toward it. Last evaluated 2019-12-31.

Conditions:
MICU2-related disorder. Also called: MICU2-related condition; MICU2-Related Disorders.

Allele frequency attached by ClinVar (database versions not stated): 1000 Genomes Project 30x 0.00265; 1000 Genomes Project 0.00280; gnomAD exomes 0.00301; ExAC 0.00321; gnomAD 0.00348 and 0.00350; TOPMed 0.00399; ESP Exome Variant Server 0.00400.
gnomAD v4.1: 7,041 of 1,610,568 alleles (0.44%); highest among the groups gnomAD compares: Non-Finnish European, 0.54%; 20 homozygotes.

Submissions (2):

Labcorp Genetics (formerly Invitae), Labcorp
Classification: Likely benign. Last evaluated: 2019-12-31. Review status: criteria provided, single submitter. Criteria: Invitae Variant Classification Sherloc (09022015). Collection method: clinical testing. Allele origin: germline.

PreventionGenetics, part of Exact Sciences
Classification: Likely benign for MICU2-related condition. Last evaluated: 2024-02-13. Review status: no assertion criteria provided. Collection method: clinical testing. Allele origin: germline. Not counted in ClinVar's aggregate classification.
Comment: This variant is classified as likely benign based on ACMG/AMP sequence variant interpretation guidelines (Richards et al. 2015 PMID: 25741868, with internal and published modifications).

NM_152726.3(MICU2):c.916A>T (p.Lys306Ter)

Gene: MICU2 (mitochondrial calcium uptake 2; minus strand). Cytogenetic location: 13q12.11.
Variant type: single nucleotide variant.
Coding change: c.916A>T on transcript NM_152726.3 (MANE Select); coding-DNA position 916, A replaced by T.
Protein change: p.Lys306Ter; replaces lysine 306 with a stop codon.
Molecular consequence: nonsense.
Genome position (GRCh38, 1-based): chr13:21,502,943, T>A on the plus strand (A>T on the coding strand, the complement: MICU2 is on the minus strand). VCF-style: chr13-21502943-T-A. GRCh37 (hg19) VCF-style: chr13-22077082-T-A.
Other names: short protein forms K306*.
Identifiers: ClinVar variation 782571 (VCV000782571.6), dbSNP rs145410850, ClinGen allele CA6908991.